The following is an entry in ClinVar:

NM_213655.5(WNK1):c.2319G>A (p.Glu773=)

Gene: WNK1 (WNK lysine deficient protein kinase 1; plus strand). Cytogenetic location: 12p13.33.
Variant type: single nucleotide variant.
Coding change: c.2319G>A on transcript NM_213655.5 (MANE Plus Clinical); coding-DNA position 2319, G replaced by A.
Protein change: p.Glu773=; no amino-acid change (glutamic acid 773 retained).
Molecular consequence: synonymous variant. On other transcripts: intron variant (3).
Genome position (GRCh38, 1-based): chr12:865,289, G>A. VCF-style: chr12-865289-G-A. GRCh37 (hg19) VCF-style: chr12-974455-G-A.
Other names: p.Glu773=; c.2140-2577G>A (NM_001184985.2); c.2139+3019G>A (NM_018979.4, NM_014823.3); c.2319G>A (NM_213655.4).
Identifiers: ClinVar variation 1080635 (VCV001080635.10), dbSNP rs1367498888, ClinGen allele CA692931711.

ClinVar aggregate classification (germline): Likely benign. Review status: criteria provided, multiple submitters, no conflicts (2 of 4 stars). 2 submissions from 2 submitters: Likely benign (2). Last evaluated 2025-12-03.

Conditions:
Neuropathy, hereditary sensory and autonomic, type 2A (HSAN2A). Also called: MORVAN DISEASE; NEUROPATHY, CONGENITAL SENSORY; NEUROPATHY, HEREDITARY SENSORY RADICULAR, AUTOSOMAL RECESSIVE; NEUROPATHY, HEREDITARY SENSORY, TYPE IIA; NEUROPATHY, PROGRESSIVE SENSORY, OF CHILDREN; WNK1-Related HSAN2 (HSAN2A). Identifiers: Orphanet 970, MedGen C2752089, MONDO:0024309, OMIM 201300.
Pseudohypoaldosteronism type 2C (PHA2C). Also called: Pseudohypoaldosteronism Type IIC. Identifiers: Orphanet 757, Orphanet 88940, MedGen C1840391, MONDO:0013778, OMIM 614492.

Allele frequency attached by ClinVar (database versions not stated): gnomAD exomes below 0.00001; gnomAD 0.00001; TOPMed 0.00001.
gnomAD v4.1: 2 of 1,536,012 alleles (0.00013%); highest among the groups gnomAD compares: Non-Finnish European, 0.00017%; no homozygotes.

Submissions (2):

Mayo Clinic Laboratories, Mayo Clinic
Classification: Likely benign. Last evaluated: 2025-12-03. Review status: criteria provided, single submitter. Criteria: ACMG Guidelines, 2015. Collection method: clinical testing. Allele origin: germline. Observed: 1 variant allele.
Comment: BP4, BP7

Labcorp Genetics (formerly Invitae), Labcorp
Classification: Likely benign for Neuropathy, hereditary sensory and autonomic, type 2A; Pseudohypoaldosteronism type 2C. Last evaluated: 2025-03-17. Review status: criteria provided, single submitter. Criteria: Invitae Variant Classification Sherloc (09022015). Collection method: clinical testing. Allele origin: germline.